The following is an entry in ClinVar:

NM_173477.5(USH1G):c.515G>A (p.Arg172His)

Gene: USH1G (USH1 protein network component sans; minus strand). Cytogenetic location: 17q25.1.
Variant type: single nucleotide variant.
Coding change: c.515G>A on transcript NM_173477.5 (MANE Select); coding-DNA position 515, G replaced by A.
Protein change: p.Arg172His; replaces arginine 172 with histidine.
Molecular consequence: missense variant.
Genome position (GRCh38, 1-based): chr17:74,920,321, C>T on the plus strand (G>A on the coding strand, the complement: USH1G is on the minus strand). VCF-style: chr17-74920321-C-T. GRCh37 (hg19) VCF-style: chr17-72916416-C-T.
Other names: c.206G>A, p.Arg69His (NM_001282489.3); short protein forms R172H, R69H.
Identifiers: ClinVar variation 1920764 (VCV001920764.4), dbSNP rs764428038, ClinGen allele CA8754053.

ClinVar aggregate classification (germline): Uncertain significance (1 of 4 stars; one submission).

Allele frequency attached by ClinVar (database versions not stated): gnomAD exomes 0.00001; ExAC 0.00003; gnomAD 0.00003; TOPMed 0.00003.
gnomAD v4.1: 20 of 1,608,428 alleles (0.0012%); highest among the groups gnomAD compares: African/African-American, 0.0093%; no homozygotes.

Submission:

Labcorp Genetics (formerly Invitae), Labcorp
Classification: Uncertain significance. Last evaluated: 2022-08-23. Review status: criteria provided, single submitter. Criteria: Invitae Variant Classification Sherloc (09022015). Collection method: clinical testing. Allele origin: germline.
Comment: In summary, the available evidence is currently insufficient to determine the role of this variant in disease. Therefore, it has been classified as a Variant of Uncertain Significance. Algorithms developed to predict the effect of missense changes on protein structure and function are either unavailable or do not agree on the potential impact of this missense change (SIFT: "Not Available"; PolyPhen-2: "Benign"; Align-GVGD: "Not Available"). This variant has not been reported in the literature in individuals affected with USH1G-related conditions. This variant is present in population databases (rs764428038, gnomAD 0.03%). This sequence change replaces arginine, which is basic and polar, with histidine, which is basic and polar, at codon 172 of the USH1G protein (p.Arg172His).